The following is an entry in ClinVar:

NM_003919.3(SGCE):c.1285C>G (p.Gln429Glu)

Genes: CASD1 (CAS1 domain sialic acid O acetyltransferase 1; plus strand), SGCE (sarcoglycan epsilon; minus strand). Cytogenetic location: 7q21.3.
Variant type: single nucleotide variant.
Coding change: c.1285C>G on transcript NM_003919.3 (MANE Select); coding-DNA position 1285, C replaced by G.
Protein change: p.Gln429Glu; replaces glutamine 429 with glutamic acid.
Molecular consequence: missense variant.
Genome position (GRCh38, 1-based): chr7:94,588,701, G>C on the plus strand (C>G on the coding strand, the complement: SGCE is on the minus strand). VCF-style: chr7-94588701-G-C. GRCh37 (hg19) VCF-style: chr7-94218013-G-C.
Other names: c.1258C>G, p.Gln420Glu (NM_001099400.2, NM_001346717.2); c.1360C>G, p.Gln454Glu (NM_001099401.2); c.1162C>G, p.Gln388Glu (NM_001301139.2); c.1393C>G, p.Gln465Glu (NM_001346713.2); c.1366C>G, p.Gln456Glu (NM_001346715.2); c.1198C>G, p.Gln400Glu (NM_001346719.2); c.1012C>G, p.Gln338Glu (NM_001346720.2); c.1171C>G, p.Gln391Glu (NM_001362807.2); and 2 more; short protein forms Q429E, Q329E, Q338E, Q379E, Q400E, Q420E, Q391E, Q454E.
Identifiers: ClinVar variation 581767 (VCV000581767.8), dbSNP rs371568101, ClinGen allele CA162911744.

ClinVar aggregate classification (germline): Uncertain significance (1 of 4 stars; one submission).

Conditions:
Myoclonic dystonia 11 (DYT11). Also called: Myoclonic dystonia; Dystonia 11; Dystonia, alcohol responsive; Hereditary essential myoclonus; SGCE Myoclonus-Dystonia; Myoclonus-Dystonia. Identifiers: Orphanet 36899, MedGen C1834570, MONDO:0008044, OMIM 159900.

Allele frequency attached by ClinVar (database versions not stated): gnomAD exomes 0.00001.
gnomAD v4.1: 4 of 1,605,802 alleles (0.00025%); no homozygotes.

Submission:

Labcorp Genetics (formerly Invitae), Labcorp
Classification: Uncertain significance for Myoclonic dystonia 11. Last evaluated: 2025-09-17. Review status: criteria provided, single submitter. Criteria: Invitae Variant Classification Sherloc (09022015). Collection method: clinical testing. Allele origin: germline.
Comment: This sequence change replaces glutamine, which is neutral and polar, with glutamic acid, which is acidic and polar, at codon 429 of the SGCE protein (p.Gln429Glu). This variant is present in population databases (rs371568101, gnomAD 0.0009%). This variant has not been reported in the literature in individuals affected with SGCE-related conditions. ClinVar contains an entry for this variant (Variation ID: 581767). An algorithm developed to predict the effect of missense changes on protein structure and function (PolyPhen-2) suggests that this variant is likely to be tolerated. In summary, the available evidence is currently insufficient to determine the role of this variant in disease. Therefore, it has been classified as a Variant of Uncertain Significance.